The following is an entry in ClinVar:

ClinVar aggregate classification (germline): Uncertain significance (1 of 4 stars; one submission).

Conditions:
Charcot-Marie-Tooth disease type 4. Also called: Charcot-Marie-Tooth disease, type IV; Charcot-Marie-Tooth, Type 4. Identifiers: Orphanet 64749, MedGen C4082197, MONDO:0018995.

Submission:

Labcorp Genetics (formerly Invitae), Labcorp
Classification: Uncertain significance for Charcot-Marie-Tooth disease type 4. Last evaluated: 2022-05-27. Review status: criteria provided, single submitter. Criteria: Invitae Variant Classification Sherloc (09022015). Collection method: clinical testing. Allele origin: germline.
Comment: In summary, the available evidence is currently insufficient to determine the role of this variant in disease. Therefore, it has been classified as a Variant of Uncertain Significance. Algorithms developed to predict the effect of missense changes on protein structure and function are either unavailable or do not agree on the potential impact of this missense change (SIFT: "Not Available"; PolyPhen-2: "Benign"; Align-GVGD: "Not Available"). This variant has not been reported in the literature in individuals affected with SH3TC2-related conditions. Information on the frequency of this variant in the gnomAD database is not available, as this variant may be reported differently in the database. This variant, c.2551_2552delinsAA, is a complex sequence change that results in the deletion of 2 and insertion of 2 amino acid(s) in the SH3TC2 protein (p.Arg851Lys).

NM_024577.4(SH3TC2):c.2551_2552delinsAA (p.Arg851Lys)

Gene: SH3TC2 (SH3 domain and tetratricopeptide repeats 2; minus strand). Cytogenetic location: 5q32.
Variant type: Indel.
Coding change: c.2551_2552delinsAA on transcript NM_024577.4 (MANE Select); coding-DNA positions 2551 to 2552, CG replaced by AA.
Protein change: p.Arg851Lys; replaces arginine 851 with lysine.
Molecular consequence: missense variant.
Genome position (GRCh38, 1-based): chr5:149,027,180-149,027,181, CG replaced by TT on the plus strand (CG replaced by AA on the coding strand, the reverse complement: SH3TC2 is on the minus strand). VCF-style: chr5-149027180-CG-TT. GRCh37 (hg19) VCF-style: chr5-148406743-CG-TT.
Other names: short protein forms R851K.
Identifiers: ClinVar variation 2100239 (VCV002100239.4), dbSNP rs2531771636, ClinGen allele CA2580073835.
Genomic context (GRCh38, chr5:149,027,180, plus strand): 5'-TCTCCCACCTCCTGGGCTCTGTTCAAGGCCCGAAGATAGCTCTTGGCTGCCCTGTTCACC[CG>TT]GCCTTCACCTTGGAGTGCAAGTCCCAGGAGGTTATAGATGACTCCCCTTTGAGTGAGACT-3'
Protein context (NP_078853.2, residues 841-861): LLGLALQGEG[Arg851Lys]VNRAAKSYLR